The following is an entry in ClinVar:

ClinVar aggregate classification (germline): Uncertain significance. Review status: criteria provided, multiple submitters, no conflicts (2 of 4 stars). 2 submissions from 2 submitters: Uncertain significance (2). Last evaluated 2022-07-26.

Conditions:
Methylcobalamin deficiency type cblG (HMAG). Also called: HOMOCYSTINURIA-MEGALOBLASTIC ANEMIA, cblG COMPLEMENTATION TYPE; Functional methionine synthase deficiency type cblG; HOMOCYSTINURIA-MEGALOBLASTIC ANEMIA, cblG TYPE; HOMOCYSTINURIA-MEGALOBLASTIC ANEMIA DUE TO DEFECT IN COBALAMIN METABOLISM, cblG COMPLEMENTATION TYPE. Identifiers: Orphanet 2170, Orphanet 622, MedGen C1855128, MONDO:0009609, OMIM 250940.
Inborn genetic diseases. Identifiers: MedGen C0950123, MeSH D030342.

Allele frequency attached by ClinVar (database versions not stated): gnomAD exomes 0.00002; gnomAD 0.00003; TOPMed 0.00003; ESP Exome Variant Server 0.00015.
gnomAD v4.1: 91 of 1,613,838 alleles (0.0056%); highest among the groups gnomAD compares: Non-Finnish European, 0.0073%; no homozygotes.

Submissions (2):

Labcorp Genetics (formerly Invitae), Labcorp
Classification: Uncertain significance for Methylcobalamin deficiency type cblG. Last evaluated: 2022-07-26. Review status: criteria provided, single submitter. Criteria: Invitae Variant Classification Sherloc (09022015). Collection method: clinical testing. Allele origin: germline.
Comment: This sequence change replaces threonine, which is neutral and polar, with isoleucine, which is neutral and non-polar, at codon 774 of the MTR protein (p.Thr774Ile). This variant is present in population databases (rs201755946, gnomAD 0.003%). This variant has not been reported in the literature in individuals affected with MTR-related conditions. ClinVar contains an entry for this variant (Variation ID: 1376705). Algorithms developed to predict the effect of missense changes on protein structure and function are either unavailable or do not agree on the potential impact of this missense change (SIFT: "Deleterious"; PolyPhen-2: "Possibly Damaging"; Align-GVGD: "Class C0"). In summary, the available evidence is currently insufficient to determine the role of this variant in disease. Therefore, it has been classified as a Variant of Uncertain Significance.

Ambry Genetics
Classification: Uncertain significance for Inborn genetic diseases. Last evaluated: 2021-03-26. Review status: criteria provided, single submitter. Criteria: Ambry Variant Classification Scheme 2023. Collection method: clinical testing. Allele origin: germline.
Comment: The c.2321C>T (p.T774I) alteration is located in exon 22 (coding exon 22) of the MTR gene. This alteration results from a C to T substitution at nucleotide position 2321, causing the threonine (T) at amino acid position 774 to be replaced by an isoleucine (I). The in silico prediction for the p.T774I alteration is inconclusive. Based on insufficient or conflicting evidence, the clinical significance of this alteration remains unclear.

NM_000254.3(MTR):c.2321C>T (p.Thr774Ile)

Gene: MTR (5-methyltetrahydrofolate-homocysteine methyltransferase; plus strand). Cytogenetic location: 1q43.
Variant type: single nucleotide variant.
Coding change: c.2321C>T on transcript NM_000254.3 (MANE Select); coding-DNA position 2321, C replaced by T.
Protein change: p.Thr774Ile; replaces threonine 774 with isoleucine.
Molecular consequence: missense variant.
Genome position (GRCh38, 1-based): chr1:236,863,470, C>T. VCF-style: chr1-236863470-C-T. GRCh37 (hg19) VCF-style: chr1-237026770-C-T.
Other names: c.2168C>T, p.Thr723Ile (NM_001291939.1); c.1100C>T, p.Thr367Ile (NM_001291940.2); c.2321C>T (NM_000254.2); short protein forms T774I, T367I, T723I.
Identifiers: ClinVar variation 1376705 (VCV001376705.4), dbSNP rs201755946, ClinGen allele CA39753635.